The following is an entry in ClinVar:

ClinVar aggregate classification (germline): Uncertain significance (1 of 4 stars; one submission).

gnomAD v4.1: 5 of 1,604,258 alleles (0.00031%); highest among the groups gnomAD compares: South Asian, 0.0011%; no homozygotes.

Submission:

Labcorp Genetics (formerly Invitae), Labcorp
Classification: Uncertain significance. Last evaluated: 2025-07-23. Review status: criteria provided, single submitter. Criteria: Invitae Variant Classification Sherloc (09022015). Collection method: clinical testing. Allele origin: germline.
Comment: This sequence change replaces alanine, which is neutral and non-polar, with threonine, which is neutral and polar, at codon 149 of the OSTM1 protein (p.Ala149Thr). The frequency data for this variant in the population databases is considered unreliable, as metrics indicate poor data quality at this position in the gnomAD database. This variant has not been reported in the literature in individuals affected with OSTM1-related conditions. Invitae Evidence Modeling of protein sequence and biophysical properties (such as structural, functional, and spatial information, amino acid conservation, physicochemical variation, residue mobility, and thermodynamic stability) indicates that this missense variant is not expected to disrupt OSTM1 protein function with a negative predictive value of 80%. In summary, the available evidence is currently insufficient to determine the role of this variant in disease. Therefore, it has been classified as a Variant of Uncertain Significance.

NM_014028.4(OSTM1):c.445G>A (p.Ala149Thr)

Gene: OSTM1 (osteoclastogenesis associated transmembrane protein 1; minus strand). Cytogenetic location: 6q21.
Variant type: single nucleotide variant.
Coding change: c.445G>A on transcript NM_014028.4 (MANE Select); coding-DNA position 445, G replaced by A.
Protein change: p.Ala149Thr; replaces alanine 149 with threonine.
Molecular consequence: missense variant.
Genome position (GRCh38, 1-based): chr6:108,064,257, C>T on the plus strand (G>A on the coding strand, the complement: OSTM1 is on the minus strand). VCF-style: chr6-108064257-C-T. GRCh37 (hg19) VCF-style: chr6-108385461-C-T.
Other names: short protein forms A149T.
Identifiers: ClinVar variation 4742639 (VCV004742639.1).